The following is an entry in ClinVar:

NM_001845.6(COL4A1):c.4766_4768del (p.Ala1589del)

Gene: COL4A1 (collagen type IV alpha 1 chain; minus strand). Cytogenetic location: 13q34.
Variant type: Deletion.
Coding change: c.4766_4768del on transcript NM_001845.6 (MANE Select); coding-DNA positions 4766 to 4768, 3 bases deleted (CTG; older notation c.4766_4768delCTG).
Protein change: p.Ala1589del; deletes alanine 1589.
Molecular consequence: inframe deletion.
Genome position (GRCh38, 1-based): chr13:110,152,494-110,152,496, CAG deleted on the plus strand (CTG on the coding strand, the reverse complement: COL4A1 is on the minus strand); deleting any 3 consecutive bases within chr13:110,152,494-110,152,497 gives the same sequence; the c. name uses the placement nearest the transcript's 3' end. VCF-style (leftmost placement, unchanged base first): chr13-110152493-CCAG-C. GRCh37 (hg19) VCF-style: chr13-110804840-CCAG-C.
Other names: short protein forms A1589del.
Identifiers: ClinVar variation 4699791 (VCV004699791.1).

ClinVar aggregate classification (germline): Uncertain significance (1 of 4 stars; one submission).

Submission:

Labcorp Genetics (formerly Invitae), Labcorp
Classification: Uncertain significance. Last evaluated: 2025-02-20. Review status: criteria provided, single submitter. Criteria: Invitae Variant Classification Sherloc (09022015). Collection method: clinical testing. Allele origin: germline.
Comment: This variant, c.4766_4768del, results in the deletion of 1 amino acid(s) of the COL4A1 protein (p.Ala1589del), but otherwise preserves the integrity of the reading frame. This variant is not present in population databases (gnomAD no frequency). This variant has not been reported in the literature in individuals affected with COL4A1-related conditions. Experimental studies and prediction algorithms are not available or were not evaluated, and the functional significance of this variant is currently unknown. In summary, the available evidence is currently insufficient to determine the role of this variant in disease. Therefore, it has been classified as a Variant of Uncertain Significance.